The following is an entry in ClinVar:

NM_001429.4(EP300):c.6136G>A (p.Val2046Met)

Gene: EP300 (E1A binding protein p300; plus strand). Cytogenetic location: 22q13.2.
Variant type: single nucleotide variant.
Coding change: c.6136G>A on transcript NM_001429.4 (MANE Select); coding-DNA position 6136, G replaced by A.
Protein change: p.Val2046Met; replaces valine 2046 with methionine.
Molecular consequence: missense variant.
Genome position (GRCh38, 1-based): chr22:41,177,847, G>A. VCF-style: chr22-41177847-G-A. GRCh37 (hg19) VCF-style: chr22-41573851-G-A.
Other names: c.6058G>A, p.Val2020Met (NM_001362843.2); short protein forms V2020M, V2046M.
Identifiers: ClinVar variation 3573603 (VCV003573603.1).

ClinVar aggregate classification (germline): Uncertain significance (1 of 4 stars; one submission).

gnomAD v4.1: 2 of 1,614,152 alleles (0.00012%); highest among the groups gnomAD compares: African/African-American, 0.0013%; no homozygotes.

Submission:

GeneDx
Classification: Uncertain significance. Last evaluated: 2024-07-19. Review status: criteria provided, single submitter. Criteria: GeneDx Variant Classification Process June 2021. Collection method: clinical testing. Allele origin: germline. Affected: yes.
Comment: In silico analysis indicates that this missense variant does not alter protein structure/function; Has not been previously published as pathogenic or benign to our knowledge